The following is an entry in ClinVar:

ClinVar aggregate classification (germline): Conflicting classifications of pathogenicity. Review status: criteria provided, conflicting classifications (1 of 4 stars). 4 submissions from 4 submitters: Uncertain significance (2); Benign (1). 1 of the submissions does not count toward it. Last evaluated 2025-08-18.

Conditions:
JAG1-related disorder. Also called: JAG1-related condition; JAG1-related disorders.
Cardiovascular phenotype. Identifiers: MedGen CN230736.
Alagille syndrome due to a JAG1 point mutation. Also called: HEPATIC DUCTULAR HYPOPLASIA, SYNDROMATIC; Alagille Syndrome 1; JAG1-Related Alagille Syndrome. Identifiers: Orphanet 261619, Orphanet 52, MedGen C1956125, MONDO:0016862, OMIM 118450.
Tetralogy of Fallot (TOF). Identifiers: Orphanet 3303, MedGen C0039685, MONDO:0008542, OMIM 187500, HP:0001636.
Deafness, congenital heart defects, and posterior embryotoxon (DCHE). Identifiers: MedGen C1866053, MONDO:0060713, OMIM 617992.
Charcot-Marie-Tooth disease, axonal, Type 2HH. Also called: CHARCOT-MARIE-TOOTH NEUROPATHY, TYPE 2HH. Identifiers: MedGen C5562003, MONDO:0030458, OMIM 619574.

Allele frequency attached by ClinVar (database versions not stated): gnomAD 0.00001 and 0.00002; TOPMed 0.00004; gnomAD exomes below 0.00001; ExAC 0.00001.
gnomAD v4.1: 4 of 1,614,118 alleles (0.00025%); highest among the groups gnomAD compares: African/African-American, 0.0053%; no homozygotes.

Submissions (4):

Labcorp Genetics (formerly Invitae), Labcorp
Classification: Benign for Alagille syndrome due to a JAG1 point mutation. Last evaluated: 2025-08-18. Review status: criteria provided, single submitter. Criteria: Invitae Variant Classification Sherloc (09022015). Collection method: clinical testing. Allele origin: germline.

Ambry Genetics
Classification: Uncertain significance for Cardiovascular phenotype. Last evaluated: 2022-12-23. Review status: criteria provided, single submitter. Criteria: Ambry Variant Classification Scheme 2023. Collection method: clinical testing. Allele origin: germline.
Comment: The p.R1181K variant (also known as c.3542G>A), located in coding exon 26 of the JAG1 gene, results from a G to A substitution at nucleotide position 3542. The arginine at codon 1181 is replaced by lysine, an amino acid with highly similar properties. This amino acid position is conserved. In addition, the in silico prediction for this alteration is inconclusive. Since supporting evidence is limited at this time, the clinical significance of this alteration remains unclear.

Fulgent Genetics
Classification: Uncertain significance for Alagille syndrome due to a JAG1 point mutation; Tetralogy of Fallot; Deafness, congenital heart defects, and posterior embryotoxon; Charcot-Marie-Tooth disease, axonal, Type 2HH. Last evaluated: 2021-09-08. Review status: criteria provided, single submitter. Criteria: ACMG Guidelines, 2015. Collection method: clinical testing. Allele origin: unknown.

PreventionGenetics, part of Exact Sciences
Classification: Uncertain significance for JAG1-related condition. Last evaluated: 2023-11-29. Review status: no assertion criteria provided. Collection method: clinical testing. Allele origin: germline. Not counted in ClinVar's aggregate classification.
Comment: The JAG1 c.3542G>A variant is predicted to result in the amino acid substitution p.Arg1181Lys. To our knowledge, this variant has not been reported in the literature. This variant is reported in 0.0062% of alleles in individuals of African descent in gnomAD. At this time, the clinical significance of this variant is uncertain due to the absence of conclusive functional and genetic evidence.

NM_000214.3(JAG1):c.3542G>A (p.Arg1181Lys)

Gene: JAG1 (jagged canonical Notch ligand 1; minus strand). Cytogenetic location: 20p12.2.
Variant type: single nucleotide variant.
Coding change: c.3542G>A on transcript NM_000214.3 (MANE Select); coding-DNA position 3542, G replaced by A.
Protein change: p.Arg1181Lys; replaces arginine 1181 with lysine.
Molecular consequence: missense variant.
Genome position (GRCh38, 1-based): chr20:10,639,613, C>T on the plus strand (G>A on the coding strand, the complement: JAG1 is on the minus strand). VCF-style: chr20-10639613-C-T. GRCh37 (hg19) VCF-style: chr20-10620261-C-T.
Other names: c.3542G>A (NM_000214.2); short protein forms R1181K.
Identifiers: ClinVar variation 1494264 (VCV001494264.10), dbSNP rs758788135, ClinGen allele CA9764191.
Genomic context (GRCh38, chr20:10,639,613, plus strand): 5'-TCCTGTTTGTTTGTCCAGTTTGGGTGTTTTGTCGGCGTGCCGTTGGGGGGCTTCTCTTCT[C>T]TGTCTACCAGCGTGTACGCCGGCTGCTTGGCAAACCGGGCTTTCTGCTGGTGTTTGTCCA-3'
Protein context (NP_000205.1, residues 1171-1191): AKQPAYTLVD[Arg1181Lys]EEKPPNGTPT